The following is an entry in ClinVar:

ClinVar aggregate classification (germline): Benign/Likely benign. Review status: criteria provided, multiple submitters, no conflicts (2 of 4 stars). 8 submissions from 8 submitters: Benign (4); Likely benign (1). 3 of the submissions do not count toward it. Last evaluated 2026-09-01.

Conditions:
AEBP1-related disorder. Also called: AEBP1-related condition.

Submissions (33):

CeGaT Center for Human Genetics Tuebingen
Classification: Likely benign. Last evaluated: 2026-09-01. Review status: criteria provided, single submitter. Criteria: CeGaT Center For Human Genetics Tuebingen Variant Classification Criteria Version 2. Collection method: clinical testing. Allele origin: germline. Affected: yes. Observed: 31 variant alleles.
Comment: AEBP1: PP3, BS2

Women's Health and Genetics/Laboratory Corporation of America, LabCorp
Classification: Benign. Last evaluated: 2026-04-01. Review status: criteria provided, single submitter. Criteria: LabCorp Variant Classification Summary - May 2015. Collection method: clinical testing. Allele origin: germline.
Comment: Variant summary: AEBP1 c.1018+4_1018+7delAGTG alters a nucleotide located close to a canonical splice site and therefore could affect mRNA splicing, leading to a significantly altered protein sequence. Several computational tools predict a significant impact on normal splicing: Three predict the variant abolishes the canonical 5' splicing donor site and one predicts the variant weakens a 5' donor site. However, these predictions have yet to be confirmed by functional studies. The variant allele was found at a frequency of 0.0054 in 232358 control chromosomes, predominantly at a frequency of 0.008 within the Non-Finnish European subpopulation in the gnomAD database, including 5 homozygotes. The observed variant frequency within control individuals in the gnomAD database exceeds the estimated maximal expected allele frequency for disease-causing variants in AEBP1. To our knowledge, no occurrence of c.1018+4_1018+7delAGTG in individuals affected with AEBP1-related conditions and no experimental evidence demonstrating its impact on protein function have been reported. The following publication has been ascertained in the context of this evaluation (PMID: 39402625). ClinVar contains an entry for this variant (Variation ID: 810089). Based on the evidence outlined above, the variant was classified as benign.

Labcorp Genetics (formerly Invitae), Labcorp
Classification: Benign. Last evaluated: 2026-02-01. Review status: criteria provided, single submitter. Criteria: Invitae Variant Classification Sherloc (09022015). Collection method: clinical testing. Allele origin: germline.

Mayo Clinic Laboratories, Mayo Clinic
Classification: Benign. Last evaluated: 2023-02-10. Review status: criteria provided, single submitter. Criteria: ACMG Guidelines, 2015. Collection method: clinical testing. Allele origin: germline. Observed: 52 variant alleles.
Comment: BS1, BS2, PP3

GeneDx
Classification: Benign. Last evaluated: 2020-04-29. Review status: criteria provided, single submitter. Criteria: GeneDx Variant Classification Process June 2021. Collection method: clinical testing. Allele origin: germline. Affected: yes.

PreventionGenetics, part of Exact Sciences
Classification: Benign for AEBP1-related condition. Last evaluated: 2021-02-03. Review status: no assertion criteria provided. Collection method: clinical testing. Allele origin: germline. Not counted in ClinVar's aggregate classification.
Comment: This variant is classified as benign based on ACMG/AMP sequence variant interpretation guidelines (Richards et al. 2015 PMID: 25741868, with internal and published modifications).

Clinical Genetics DNA and cytogenetics Diagnostics Lab, Erasmus MC, Erasmus Medical Center
Classification: Likely benign. Review status: no assertion criteria provided. Collection method: clinical testing. Allele origin: germline. Affected: yes. Study: VKGL Data-share Consensus. Not counted in ClinVar's aggregate classification.

Dr. Peter K. Rogan Lab, Western University
No classification provided (evidence only). Condition: Familial cancer of breast. Review status: no classification provided. Collection method: in vitro. Allele origin: not applicable. Functional consequence: skipped exon, retained intron. Not counted in ClinVar's aggregate classification.

Dr. Peter K. Rogan Lab, Western University
No classification provided (evidence only). Condition: Familial cancer of breast. Review status: no classification provided. Collection method: in vitro. Allele origin: not applicable. Functional consequence: skipped exon, retained intron. Not counted in ClinVar's aggregate classification.

Dr. Peter K. Rogan Lab, Western University
No classification provided (evidence only). Condition: Familial cancer of breast. Review status: no classification provided. Collection method: in vitro. Allele origin: not applicable. Functional consequence: skipped exon, retained intron. Not counted in ClinVar's aggregate classification.

Dr. Peter K. Rogan Lab, Western University
No classification provided (evidence only). Condition: Colon adenocarcinoma. Review status: no classification provided. Collection method: in vitro. Allele origin: not applicable. Functional consequence: skipped exon. Not counted in ClinVar's aggregate classification.

Dr. Peter K. Rogan Lab, Western University
No classification provided (evidence only). Condition: Colon adenocarcinoma. Review status: no classification provided. Collection method: in vitro. Allele origin: not applicable. Functional consequence: skipped exon. Not counted in ClinVar's aggregate classification.

Dr. Peter K. Rogan Lab, Western University
No classification provided (evidence only). Condition: Colon adenocarcinoma. Review status: no classification provided. Collection method: in vitro. Allele origin: not applicable. Functional consequence: skipped exon, retained intron. Not counted in ClinVar's aggregate classification.

Dr. Peter K. Rogan Lab, Western University
No classification provided (evidence only). Condition: Clear cell carcinoma of kidney. Review status: no classification provided. Collection method: in vitro. Allele origin: not applicable. Functional consequence: skipped exon, retained intron. Not counted in ClinVar's aggregate classification.

Dr. Peter K. Rogan Lab, Western University
No classification provided (evidence only). Condition: Papillary renal cell carcinoma type 1. Review status: no classification provided. Collection method: in vitro. Allele origin: not applicable. Functional consequence: skipped exon, retained intron. Not counted in ClinVar's aggregate classification.

Dr. Peter K. Rogan Lab, Western University
No classification provided (evidence only). Condition: Papillary renal cell carcinoma type 1. Review status: no classification provided. Collection method: in vitro. Allele origin: not applicable. Functional consequence: skipped exon. Not counted in ClinVar's aggregate classification.

Dr. Peter K. Rogan Lab, Western University
No classification provided (evidence only). Condition: Hepatocellular carcinoma. Review status: no classification provided. Collection method: in vitro. Allele origin: not applicable. Functional consequence: skipped exon, retained intron. Not counted in ClinVar's aggregate classification.

Dr. Peter K. Rogan Lab, Western University
No classification provided (evidence only). Condition: Hepatocellular carcinoma. Review status: no classification provided. Collection method: in vitro. Allele origin: not applicable. Functional consequence: skipped exon. Not counted in ClinVar's aggregate classification.

Dr. Peter K. Rogan Lab, Western University
No classification provided (evidence only). Condition: Melanoma. Review status: no classification provided. Collection method: in vitro. Allele origin: not applicable. Functional consequence: skipped exon, retained intron. Not counted in ClinVar's aggregate classification.

Dr. Peter K. Rogan Lab, Western University
No classification provided (evidence only). Condition: Gastric cancer. Review status: no classification provided. Collection method: in vitro. Allele origin: not applicable. Functional consequence: retained intron. Not counted in ClinVar's aggregate classification.

Dr. Peter K. Rogan Lab, Western University
No classification provided (evidence only). Condition: Gastric cancer. Review status: no classification provided. Collection method: in vitro. Allele origin: not applicable. Functional consequence: retained intron. Not counted in ClinVar's aggregate classification.

Dr. Peter K. Rogan Lab, Western University
No classification provided (evidence only). Condition: Malignant tumor of esophagus. Review status: no classification provided. Collection method: in vitro. Allele origin: not applicable. Functional consequence: skipped exon. Not counted in ClinVar's aggregate classification.

Dr. Peter K. Rogan Lab, Western University
No classification provided (evidence only). Condition: Malignant tumor of esophagus. Review status: no classification provided. Collection method: in vitro. Allele origin: not applicable. Functional consequence: skipped exon. Not counted in ClinVar's aggregate classification.

Dr. Peter K. Rogan Lab, Western University
No classification provided (evidence only). Condition: Malignant tumor of esophagus. Review status: no classification provided. Collection method: in vitro. Allele origin: not applicable. Functional consequence: skipped exon. Not counted in ClinVar's aggregate classification.

Dr. Peter K. Rogan Lab, Western University
No classification provided (evidence only). Condition: Malignant tumor of esophagus. Review status: no classification provided. Collection method: in vitro. Allele origin: not applicable. Functional consequence: skipped exon. Not counted in ClinVar's aggregate classification.

Dr. Peter K. Rogan Lab, Western University
No classification provided (evidence only). Condition: Nonpapillary renal cell carcinoma. Review status: no classification provided. Collection method: in vitro. Allele origin: not applicable. Functional consequence: skipped exon, retained intron. Not counted in ClinVar's aggregate classification.

Dr. Peter K. Rogan Lab, Western University
No classification provided (evidence only). Condition: Nonpapillary renal cell carcinoma. Review status: no classification provided. Collection method: in vitro. Allele origin: not applicable. Functional consequence: skipped exon. Not counted in ClinVar's aggregate classification.

Dr. Peter K. Rogan Lab, Western University
No classification provided (evidence only). Condition: Nonpapillary renal cell carcinoma. Review status: no classification provided. Collection method: in vitro. Allele origin: not applicable. Functional consequence: skipped exon. Not counted in ClinVar's aggregate classification.

Dr. Peter K. Rogan Lab, Western University
No classification provided (evidence only). Condition: Lymphoma. Review status: no classification provided. Collection method: in vitro. Allele origin: not applicable. Functional consequence: skipped exon. Not counted in ClinVar's aggregate classification.

Dr. Peter K. Rogan Lab, Western University
No classification provided (evidence only). Condition: Lymphoma. Review status: no classification provided. Collection method: in vitro. Allele origin: not applicable. Functional consequence: skipped exon. Not counted in ClinVar's aggregate classification.

Dr. Peter K. Rogan Lab, Western University
No classification provided (evidence only). Condition: Ovarian cancer. Review status: no classification provided. Collection method: in vitro. Allele origin: not applicable. Functional consequence: skipped exon, retained intron. Not counted in ClinVar's aggregate classification.

Dr. Peter K. Rogan Lab, Western University
No classification provided (evidence only). Condition: Ovarian cancer. Review status: no classification provided. Collection method: in vitro. Allele origin: not applicable. Functional consequence: skipped exon. Not counted in ClinVar's aggregate classification.

Genome Diagnostics Laboratory, Amsterdam University Medical Center
Classification: Likely benign. Review status: no assertion criteria provided. Collection method: clinical testing. Allele origin: germline. Affected: yes. Study: VKGL Data-share Consensus. Not counted in ClinVar's aggregate classification.

Literature cited by the submitters: PubMed 39402625 (cited by Women's Health and Genetics/Laboratory Corporation of America, LabCorp).

NM_001129.5(AEBP1):c.1018+4_1018+7del

Gene: AEBP1 (AE binding protein 1; plus strand). Cytogenetic location: 7p13.
Variant type: Microsatellite.
Coding change: c.1018+4_1018+7del on transcript NM_001129.5 (MANE Select); bases 4 to 7 of the intron after coding-DNA position 1018, 4 bases deleted (AGTG; older notation c.1018+4_1018+7delAGTG).
Molecular consequence: splice donor variant.
Genome position (GRCh38, 1-based): chr7:44,108,980-44,108,983, AGTG deleted; deleting any 4 consecutive bases within chr7:44,108,974-44,108,983 gives the same sequence; the c. name uses the placement nearest the transcript's 3' end. VCF-style (leftmost placement, unchanged base first): chr7-44108973-CTGAG-C. GRCh37 (hg19) VCF-style: chr7-44148572-CTGAG-C.
Other names: NC_000007.13:g.44148579_44148582del; c.1018+4_1018+7delAGTG (NM_001129.5).
Identifiers: ClinVar variation 810089 (VCV000810089.52), dbSNP rs376965157, ClinGen allele CA4237708.